The following is an entry in ClinVar:

NM_001258392.3(CLPB):c.1375G>T (p.Ala459Ser)

Gene: CLPB (ClpB family mitochondrial disaggregase; minus strand). Cytogenetic location: 11q13.4.
Variant type: single nucleotide variant.
Coding change: c.1375G>T on transcript NM_001258392.3 (MANE Select); coding-DNA position 1375, G replaced by T.
Protein change: p.Ala459Ser; replaces alanine 459 with serine.
Molecular consequence: missense variant.
Genome position (GRCh38, 1-based): chr11:72,295,603, C>A on the plus strand (G>T on the coding strand, the complement: CLPB is on the minus strand). VCF-style: chr11-72295603-C-A. GRCh37 (hg19) VCF-style: chr11-72006647-C-A.
Other names: c.1288G>T, p.Ala430Ser (NM_001258393.3); c.1330G>T, p.Ala444Ser (NM_001258394.3); c.1465G>T, p.Ala489Ser (NM_030813.6); short protein forms A430S, A444S, A459S, A489S.
Identifiers: ClinVar variation 4798257 (VCV004798257.1).

ClinVar aggregate classification (germline): Uncertain significance (1 of 4 stars; one submission).

Conditions:
3-methylglutaconic aciduria, type VIIB (MGCA7B). Also called: 3-methylglutaconic aciduria, type VII, with cataracts, neurologic involvement and neutropenia; CLPB Deficiency; 3-methylglutaconic aciduria with cataracts, neurologic involvement and neutropenia. Identifiers: Orphanet 445038, MedGen C5676893, MONDO:0014561, OMIM 616271.

gnomAD v4.1: 5 of 1,614,070 alleles (0.00031%); highest among the groups gnomAD compares: East Asian, 0.0022%; no homozygotes.

Submission:

Labcorp Genetics (formerly Invitae), Labcorp
Classification: Uncertain significance for 3-methylglutaconic aciduria, type VIIB. Last evaluated: 2025-12-18. Review status: criteria provided, single submitter. Criteria: Invitae Variant Classification Sherloc (09022015). Collection method: clinical testing. Allele origin: germline.
Comment: This sequence change replaces alanine, which is neutral and non-polar, with serine, which is neutral and polar, at codon 489 of the CLPB protein (p.Ala489Ser). This variant is not present in population databases (gnomAD no frequency). This variant has not been reported in the literature in individuals affected with CLPB-related conditions. An algorithm developed to predict the effect of missense changes on protein structure and function (PolyPhen-2) suggests that this variant is likely to be disruptive. In summary, the available evidence is currently insufficient to determine the role of this variant in disease. Therefore, it has been classified as a Variant of Uncertain Significance.